The following is an entry in ClinVar:

ClinVar aggregate classification (germline): Likely benign. Review status: criteria provided, multiple submitters, no conflicts (2 of 4 stars). 3 submissions from 3 submitters: Likely benign (3). Last evaluated 2024-07-31.

Conditions:
Hereditary cancer-predisposing syndrome. Also called: Tumor predisposition; Hereditary neoplastic syndrome; Neoplastic Syndromes, Hereditary; Hereditary Cancer Syndrome. Identifiers: Orphanet 140162, MedGen C0027672, MeSH D009386, MONDO:0015356.
Juvenile polyposis syndrome (JPS). Identifiers: Orphanet 2929, MedGen C0345893, MONDO:0017380, OMIM 174900.

Allele frequency attached by ClinVar (database versions not stated): gnomAD exomes below 0.00001.
gnomAD v4.1: 1 of 1,605,096 alleles (0.000062%); highest among the groups gnomAD compares: African/African-American, 0.0013%; no homozygotes.

Submissions (3):

Myriad Genetics, Inc.
Classification: Likely benign for Juvenile polyposis syndrome. Last evaluated: 2024-07-31. Review status: criteria provided, single submitter. Criteria: Myriad Autosomal Dominant, Autosomal Recessive and X-Linked Classification Criteria (2023). Collection method: clinical testing. Allele origin: unknown.
Comment: This variant is considered likely benign. This variant is intronic and is not expected to impact mRNA splicing.

Labcorp Genetics (formerly Invitae), Labcorp
Classification: Likely benign for Juvenile polyposis syndrome. Last evaluated: 2022-10-16. Review status: criteria provided, single submitter. Criteria: Invitae Variant Classification Sherloc (09022015). Collection method: clinical testing. Allele origin: germline.

Color Diagnostics, LLC DBA Color Health
Classification: Likely benign for Hereditary cancer-predisposing syndrome. Last evaluated: 2019-10-07. Review status: criteria provided, single submitter. Criteria: ACMG Guidelines, 2015. Collection method: clinical testing. Allele origin: germline.

NM_004329.3(BMPR1A):c.67+10T>C

Gene: BMPR1A (bone morphogenetic protein receptor type 1A; plus strand). Cytogenetic location: 10q23.2.
Variant type: single nucleotide variant.
Coding change: c.67+10T>C on transcript NM_004329.3 (MANE Select); 10 bases into the intron after coding-DNA position 67, T replaced by C.
Molecular consequence: intron variant.
Genome position (GRCh38, 1-based): chr10:86,876,095, T>C. VCF-style: chr10-86876095-T-C. GRCh37 (hg19) VCF-style: chr10-88635852-T-C.
Identifiers: ClinVar variation 927918 (VCV000927918.11), dbSNP rs1842918456, ClinGen allele CA1139661546.